The following is an entry in ClinVar:

NM_000744.7(CHRNA4):c.448C>A (p.Gln150Lys)

Gene: CHRNA4 (cholinergic receptor nicotinic alpha 4 subunit; minus strand). Cytogenetic location: 20q13.33.
Variant type: single nucleotide variant.
Coding change: c.448C>A on transcript NM_000744.7 (MANE Select); coding-DNA position 448, C replaced by A.
Protein change: p.Gln150Lys; replaces glutamine 150 with lysine.
Molecular consequence: missense variant. On other transcripts: 5 prime UTR variant (1), non-coding transcript variant (1).
Genome position (GRCh38, 1-based): chr20:63,350,963, G>T on the plus strand (C>A on the coding strand, the complement: CHRNA4 is on the minus strand). VCF-style: chr20-63350963-G-T. GRCh37 (hg19) VCF-style: chr20-61982315-G-T.
Other names: c.-81C>A (NM_001256573.2); short protein forms Q150K.
Identifiers: ClinVar variation 1303237 (VCV001303237.3), dbSNP rs200747769, ClinGen allele CA317436412.

ClinVar aggregate classification (germline): Uncertain significance. Review status: criteria provided, multiple submitters, no conflicts (2 of 4 stars). 2 submissions from 2 submitters: Uncertain significance (2). Last evaluated 2021-07-21.

Conditions:
Autosomal dominant nocturnal frontal lobe epilepsy 1. Also called: EPILEPSY, NOCTURNAL FRONTAL LOBE, TYPE 1; CHRNA4-Related Nocturnal Frontal Lobe Epilepsy, Autosomal Dominant. Identifiers: Orphanet 98784, MedGen C1838049, MONDO:0010899, OMIM 600513.
Tobacco addiction, susceptibility to. Also called: CIGARETTE HABITUATION, SUSCEPTIBILITY TO. Identifiers: MedGen C1861063, MONDO:0100460, OMIM 188890.

Allele frequency attached by ClinVar (database versions not stated): gnomAD exomes 0.00001.

Submissions (2):

Fulgent Genetics
Classification: Uncertain significance for Tobacco addiction, susceptibility to; Autosomal dominant nocturnal frontal lobe epilepsy 1. Last evaluated: 2021-07-21. Review status: criteria provided, single submitter. Criteria: ACMG Guidelines, 2015. Collection method: clinical testing. Allele origin: unknown.

GeneDx
Classification: Uncertain significance. Last evaluated: 2019-08-15. Review status: criteria provided, single submitter. Criteria: GeneDx Variant Classification Process June 2021. Collection method: clinical testing. Allele origin: germline. Affected: yes.
Comment: Not observed in large population cohorts (Lek et al., 2016); In silico analysis, which includes protein predictors and evolutionary conservation, supports that this variant does not alter protein structure/function; Has not been previously published as pathogenic or benign to our knowledge